The following is an entry in ClinVar:

ClinVar aggregate classification (germline): Uncertain significance. Review status: criteria provided, multiple submitters, no conflicts (2 of 4 stars). 4 submissions from 4 submitters: Uncertain significance (4). Last evaluated 2025-03-27.

Allele frequency attached by ClinVar (database versions not stated): ExAC 0.00002; TOPMed 0.00003; gnomAD 0.00006.
gnomAD v4.1: 39 of 1,614,052 alleles (0.0024%); highest among the groups gnomAD compares: East Asian, 0.018%; no homozygotes.

Submissions (4):

Ambry Genetics
Classification: Uncertain significance. Last evaluated: 2025-03-27. Review status: criteria provided, single submitter. Criteria: Ambry Variant Classification Scheme 2023. Collection method: clinical testing. Allele origin: germline.

Blueprint Genetics
Classification: Uncertain significance. Last evaluated: 2024-01-18. Review status: criteria provided, single submitter. Criteria: ACMG Guidelines, 2015. Collection method: clinical testing. Allele origin: germline.

Labcorp Genetics (formerly Invitae), Labcorp
Classification: Uncertain significance. Last evaluated: 2023-12-27. Review status: criteria provided, single submitter. Criteria: Invitae Variant Classification Sherloc (09022015). Collection method: clinical testing. Allele origin: germline.
Comment: This sequence change replaces glycine, which is neutral and non-polar, with serine, which is neutral and polar, at codon 761 of the KIAA0556 protein (p.Gly761Ser). This variant is present in population databases (rs757254633, gnomAD 0.04%). This variant has not been reported in the literature in individuals affected with KIAA0556-related conditions. ClinVar contains an entry for this variant (Variation ID: 1980165). An algorithm developed to predict the effect of missense changes on protein structure and function (PolyPhen-2) suggests that this variant is likely to be disruptive. In summary, the available evidence is currently insufficient to determine the role of this variant in disease. Therefore, it has been classified as a Variant of Uncertain Significance.

GeneDx
Classification: Uncertain significance. Last evaluated: 2023-04-03. Review status: criteria provided, single submitter. Criteria: GeneDx Variant Classification Process June 2021. Collection method: clinical testing. Allele origin: germline. Affected: yes.
Comment: In silico analysis supports that this missense variant does not alter protein structure/function; Has not been previously published as pathogenic or benign to our knowledge

NM_015202.5(KATNIP):c.2281G>A (p.Gly761Ser)

Gene: KATNIP (katanin interacting protein; plus strand). Cytogenetic location: 16p12.1.
Variant type: single nucleotide variant.
Coding change: c.2281G>A on transcript NM_015202.5 (MANE Select); coding-DNA position 2281, G replaced by A.
Protein change: p.Gly761Ser; replaces glycine 761 with serine.
Molecular consequence: missense variant.
Genome position (GRCh38, 1-based): chr16:27,740,578, G>A. VCF-style: chr16-27740578-G-A. GRCh37 (hg19) VCF-style: chr16-27751899-G-A.
Other names: c.2281G>A (NM_015202.3, NM_015202.2); short protein forms G761S.
Identifiers: ClinVar variation 1980165 (VCV001980165.6), dbSNP rs757254633, ClinGen allele CA7977936.